The following is an entry in ClinVar:

NM_012338.4(TSPAN12):c.459dup (p.Gln154fs)

Gene: TSPAN12 (tetraspanin 12; minus strand). Cytogenetic location: 7q31.31.
Variant type: Duplication.
Coding change: c.459dup on transcript NM_012338.4 (MANE Select); coding-DNA position 459, one base duplicated (T; older notation c.459dupT).
Protein change: p.Gln154fs; shifts the reading frame from glutamine 154.
Molecular consequence: frameshift variant.
Genome position (GRCh38, 1-based): chr7:120,810,472, A duplicated on the plus strand (T on the coding strand, the reverse complement: TSPAN12 is on the minus strand); the first of 7 consecutive A bases (chr7:120,810,472-120,810,478); duplicating any one gives the same sequence. VCF-style (leftmost placement, unchanged base first): chr7-120810471-G-GA. GRCh37 (hg19) VCF-style: chr7-120450525-G-GA.
Other names: short protein forms Q154fs.
Identifiers: ClinVar variation 931107 (VCV000931107.3), dbSNP rs1793956510, ClinGen allele CA1139660224.

ClinVar aggregate classification (germline): Likely pathogenic (1 of 4 stars; one submission).

Conditions:
Exudative vitreoretinopathy 5 (EVR5). Identifiers: Orphanet 891, MedGen C2750079, MONDO:0013218, OMIM 613310.

Submission:

Centre for Mendelian Genomics, University Medical Centre Ljubljana
Classification: Likely pathogenic for Exudative vitreoretinopathy 5. Last evaluated: 2019-08-26. Review status: criteria provided, single submitter. Criteria: ACMG Guidelines, 2015. Collection method: clinical testing. Allele origin: unknown. Affected: yes.
Comment: This variant was classified as: Likely pathogenic. The following ACMG criteria were applied in classifying this variant: PVS1,PM2.